The following is an entry in ClinVar:

NM_003801.4(GPAA1):c.440C>T (p.Thr147Ile)

Gene: GPAA1 (glycosylphosphatidylinositol anchor attachment 1; plus strand). Cytogenetic location: 8q24.3.
Variant type: single nucleotide variant.
Coding change: c.440C>T on transcript NM_003801.4 (MANE Select); coding-DNA position 440, C replaced by T.
Protein change: p.Thr147Ile; replaces threonine 147 with isoleucine.
Molecular consequence: missense variant.
Genome position (GRCh38, 1-based): chr8:144,083,787, C>T. VCF-style: chr8-144083787-C-T. GRCh37 (hg19) VCF-style: chr8-145138690-C-T.
Other names: short protein forms T147I.
Identifiers: ClinVar variation 1497392 (VCV001497392.8), dbSNP rs2129940937, ClinGen allele CA372598896.
Genomic context (GRCh38, chr8:144,083,787, plus strand): 5'-CCAACGTGTACGGCATCCTGCGGGCCCCGCGTGCTGCCAGCACCGAGTCGCTTGTGCTCA[C>T]CGTGCCCTGTGGCTCTGACTCTACCAACAGCCAGGCTGTGGGGCTGCTGCTGGCACTGGC-3'
Protein context (NP_003792.1, residues 137-157): RAASTESLVL[Thr147Ile]VPCGSDSTNS

ClinVar aggregate classification (germline): Uncertain significance (1 of 4 stars; one submission).

Submission:

Labcorp Genetics (formerly Invitae), Labcorp
Classification: Uncertain significance. Last evaluated: 2022-06-20. Review status: criteria provided, single submitter. Criteria: Invitae Variant Classification Sherloc (09022015). Collection method: clinical testing. Allele origin: germline.
Comment: In summary, the available evidence is currently insufficient to determine the role of this variant in disease. Therefore, it has been classified as a Variant of Uncertain Significance. Algorithms developed to predict the effect of missense changes on protein structure and function output the following: SIFT: "Tolerated"; PolyPhen-2: "Benign"; Align-GVGD: "Class C0". The isoleucine amino acid residue is found in multiple mammalian species, which suggests that this missense change does not adversely affect protein function. This variant has not been reported in the literature in individuals affected with GPAA1-related conditions. This variant is not present in population databases (gnomAD no frequency). This sequence change replaces threonine, which is neutral and polar, with isoleucine, which is neutral and non-polar, at codon 147 of the GPAA1 protein (p.Thr147Ile).